The following is an entry in ClinVar:

ClinVar aggregate classification (germline): Uncertain significance. Review status: criteria provided, multiple submitters, no conflicts (2 of 4 stars). 3 submissions from 3 submitters: Uncertain significance (3). Last evaluated 2025-08-27.

Conditions:
Polyglucosan body myopathy type 1 (PGBM1). Also called: Polyglucosan body myopathy 1 with or without immunodeficiency; POLYGLUCOSAN BODY MYOPATHY WITHOUT IMMUNODEFICIENCY. Identifiers: Orphanet 329173, Orphanet 397937, MedGen C4014605, MONDO:0014389, OMIM 615895.
Inborn genetic diseases. Identifiers: MedGen C0950123, MeSH D030342.

Allele frequency attached by ClinVar (database versions not stated): ExAC 0.00007; gnomAD exomes 0.00007 and 0.00010; gnomAD 0.00009 and 0.00011; TOPMed 0.00013; ESP Exome Variant Server 0.00015.
gnomAD v4.1: 162 of 1,613,936 alleles (0.01%); highest among the groups gnomAD compares: Non-Finnish European, 0.013%; no homozygotes.

Submissions (3):

Ambry Genetics
Classification: Uncertain significance for Inborn genetic diseases. Last evaluated: 2025-08-27. Review status: criteria provided, single submitter. Criteria: Ambry Variant Classification Scheme 2023. Collection method: clinical testing. Allele origin: germline.

Labcorp Genetics (formerly Invitae), Labcorp
Classification: Uncertain significance for Polyglucosan body myopathy type 1. Last evaluated: 2024-10-17. Review status: criteria provided, single submitter. Criteria: Invitae Variant Classification Sherloc (09022015). Collection method: clinical testing. Allele origin: germline.
Comment: This sequence change replaces proline, which is neutral and non-polar, with arginine, which is basic and polar, at codon 347 of the RBCK1 protein (p.Pro347Arg). This variant is present in population databases (rs370963132, gnomAD 0.02%). This variant has not been reported in the literature in individuals affected with RBCK1-related conditions. ClinVar contains an entry for this variant (Variation ID: 475181). Invitae Evidence Modeling of protein sequence and biophysical properties (such as structural, functional, and spatial information, amino acid conservation, physicochemical variation, residue mobility, and thermodynamic stability) indicates that this missense variant is not expected to disrupt RBCK1 protein function with a negative predictive value of 80%. In summary, the available evidence is currently insufficient to determine the role of this variant in disease. Therefore, it has been classified as a Variant of Uncertain Significance.

Blueprint Genetics
Classification: Uncertain significance. Last evaluated: 2024-04-08. Review status: criteria provided, single submitter. Criteria: ACMG Guidelines, 2015. Collection method: clinical testing. Allele origin: germline.

NM_031229.4(RBCK1):c.1040C>G (p.Pro347Arg)

Gene: RBCK1 (RANBP2-type and C3HC4-type zinc finger containing 1; plus strand). Cytogenetic location: 20p13.
Variant type: single nucleotide variant.
Coding change: c.1040C>G on transcript NM_031229.4 (MANE Select); coding-DNA position 1040, C replaced by G.
Protein change: p.Pro347Arg; replaces proline 347 with arginine.
Molecular consequence: missense variant. On other transcripts: non-coding transcript variant (1).
Genome position (GRCh38, 1-based): chr20:427,323, C>G. VCF-style: chr20-427323-C-G. GRCh37 (hg19) VCF-style: chr20-407967-C-G.
Other names: c.530C>G, p.Pro177Arg (NM_001323956.2, NM_001323958.2); c.914C>G, p.Pro305Arg (NM_006462.6); c.1040C>G (NM_031229.2); short protein forms P347R, P177R, P305R.
Identifiers: ClinVar variation 475181 (VCV000475181.13), dbSNP rs370963132, ClinGen allele CA9723271.